The following is an entry in ClinVar:

NM_014159.7(SETD2):c.5278A>C (p.Asn1760His)

Gene: SETD2 (SET domain containing 2, histone lysine methyltransferase; minus strand). Cytogenetic location: 3p21.31.
Variant type: single nucleotide variant.
Coding change: c.5278A>C on transcript NM_014159.7 (MANE Select); coding-DNA position 5278, A replaced by C.
Protein change: p.Asn1760His; replaces asparagine 1760 with histidine.
Molecular consequence: missense variant. On other transcripts: non-coding transcript variant (1).
Genome position (GRCh38, 1-based): chr3:47,086,314, T>G on the plus strand (A>C on the coding strand, the complement: SETD2 is on the minus strand). VCF-style: chr3-47086314-T-G. GRCh37 (hg19) VCF-style: chr3-47127804-T-G.
Other names: c.5146A>C, p.Asn1716His (NM_001349370.3); short protein forms N1716H, N1760H.
Identifiers: ClinVar variation 1029248 (VCV001029248.1), dbSNP rs772972461, ClinGen allele CA2362938.

ClinVar aggregate classification (germline): Uncertain significance (1 of 4 stars; one submission).

Conditions:
Luscan-Lumish syndrome. Identifiers: Orphanet 597738, MedGen C4085873, MONDO:0014791, OMIM 616831.

Allele frequency attached by ClinVar (database versions not stated): TOPMed below 0.00001; gnomAD exomes below 0.00001; ExAC 0.00001.

Submission:

Baylor Genetics
Classification: Uncertain significance for Luscan-Lumish syndrome. Last evaluated: 2019-08-12. Review status: criteria provided, single submitter. Criteria: ACMG Guidelines, 2015. Collection method: clinical testing. Allele origin: unknown. Affected: yes.
Comment: This variant was determined to be of uncertain significance according to ACMG Guidelines, 2015 [PMID:25741868].